The following is an entry in ClinVar:

ClinVar aggregate classification (germline): Uncertain significance (1 of 4 stars; one submission).

Allele frequency attached by ClinVar (database versions not stated): TOPMed below 0.00001; gnomAD exomes 0.00001.

Submission:

Labcorp Genetics (formerly Invitae), Labcorp
Classification: Uncertain significance. Last evaluated: 2022-07-11. Review status: criteria provided, single submitter. Criteria: Invitae Variant Classification Sherloc (09022015). Collection method: clinical testing. Allele origin: germline.
Comment: This sequence change replaces histidine, which is basic and polar, with arginine, which is basic and polar, at codon 72 of the TIMM50 protein (p.His72Arg). This variant is not present in population databases (gnomAD no frequency). This variant has not been reported in the literature in individuals affected with TIMM50-related conditions. Algorithms developed to predict the effect of missense changes on protein structure and function output the following: SIFT: "Not Available"; PolyPhen-2: "Benign"; Align-GVGD: "Not Available". The arginine amino acid residue is found in multiple mammalian species, which suggests that this missense change does not adversely affect protein function. In summary, the available evidence is currently insufficient to determine the role of this variant in disease. Therefore, it has been classified as a Variant of Uncertain Significance.

NC_000019.10:g.39480759A>G

Gene: TIMM50 (translocase of inner mitochondrial membrane 50; plus strand). Cytogenetic location: 19q13.2.
Variant type: single nucleotide variant.
Genome position: GRCh38 VCF-style: chr19-39480759-A-G. GRCh37 (hg19) VCF-style: chr19-39971399-A-G.
Identifiers: ClinVar variation 1909850 (VCV001909850.2), dbSNP rs761630554, ClinGen allele CA405785618.
Genomic context (GRCh38, chr19:39,480,759, plus strand): 5'-GAAGCAAACGCGCCTGCGGCAATCCGCCCGATGCCTTTGGTCTCTCTCGGGCTTCCGTCC[A>G]CCCGCCCCTCCCCCGCGTTTCCATTGGCTGTAGCTCCGGCCCGGGGCGGGCGAAGAGGGA-3'